The following is an entry in ClinVar:

ClinVar aggregate classification (germline): Likely benign. Review status: criteria provided, multiple submitters, no conflicts (2 of 4 stars). 2 submissions from 2 submitters: Likely benign (2). Last evaluated 2024-09-30.

Conditions:
Angelman syndrome (AS). Also called: HAPPY PUPPET SYNDROME. Identifiers: Orphanet 72, MedGen C0162635, MONDO:0007113, OMIM 105830. Disease mechanism: loss of function. Inheritance: imprinting disorder, AS is caused by disruption of maternally imprinted UBE3A located within the 15q11.2-q13 Angelman syndrome/Prader-Willi syndrome (AS/PWS) region..

Allele frequency attached by ClinVar (database versions not stated): ExAC 0.00001; gnomAD 0.00001; gnomAD exomes 0.00001 and 0.00002; TOPMed 0.00001.
gnomAD v4.1: 14 of 1,614,058 alleles (0.00087%); highest among the groups gnomAD compares: Non-Finnish European, 0.0012%; no homozygotes.

Submissions (2):

Labcorp Genetics (formerly Invitae), Labcorp
Classification: Likely benign for Angelman syndrome. Last evaluated: 2024-09-30. Review status: criteria provided, single submitter. Criteria: Invitae Variant Classification Sherloc (09022015). Collection method: clinical testing. Allele origin: germline.

GeneDx
Classification: Likely benign. Last evaluated: 2016-05-26. Review status: criteria provided, single submitter. Criteria: GeneDx Variant Classification (06012015). Collection method: clinical testing. Allele origin: germline. Affected: yes.
Comment: This variant is considered likely benign or benign based on one or more of the following criteria: it is a conservative change, it occurs at a poorly conserved position in the protein, it is predicted to be benign by multiple in silico algorithms, and/or has population frequency not consistent with disease.

NM_130839.5(UBE3A):c.939A>G (p.Leu313=)

Genes: SNHG14 (small nucleolar RNA host gene 14; plus strand), UBE3A (ubiquitin protein ligase E3A; minus strand). Cytogenetic location: 15q11.2.
Variant type: single nucleotide variant.
Coding change: c.939A>G on transcript NM_130839.5 (MANE Select); coding-DNA position 939, A replaced by G.
Protein change: p.Leu313=; no amino-acid change (leucine 313 retained).
Molecular consequence: synonymous variant. On other transcripts: non-coding transcript variant (1), intron variant (2).
Genome position (GRCh38, 1-based): chr15:25,371,235, T>C on the plus strand (A>G on the coding strand, the complement: UBE3A is on the minus strand). VCF-style: chr15-25371235-T-C. GRCh37 (hg19) VCF-style: chr15-25616382-T-C.
Other names: c.879A>G, p.Leu293= (NM_001354506.2, NM_001354507.2, NM_001354508.2 and 17 more transcripts); c.939A>G, p.Leu313= (NM_001354538.2, NM_001354545.2, NM_001354505.1); c.762A>G, p.Leu254= (NM_001354546.2); c.301+4230A>G (NM_001354551.2); c.361+4230A>G (NM_001354550.2); c.948A>G, p.Leu316= (NM_000462.5).
Identifiers: ClinVar variation 386667 (VCV000386667.5), dbSNP rs762154663, ClinGen allele CA7435577.